The following is an entry in ClinVar:

ClinVar aggregate classification (germline): Uncertain significance (1 of 4 stars; one submission).

Submission:

Labcorp Genetics (formerly Invitae), Labcorp
Classification: Uncertain significance. Last evaluated: 2024-10-07. Review status: criteria provided, single submitter. Criteria: Invitae Variant Classification Sherloc (09022015). Collection method: clinical testing. Allele origin: germline.
Comment: This sequence change falls in intron 41 of the COL11A2 gene. It does not directly change the encoded amino acid sequence of the COL11A2 protein. This variant is not present in population databases (gnomAD no frequency). This variant has not been reported in the literature in individuals affected with COL11A2-related conditions. Algorithms developed to predict the effect of sequence changes on RNA splicing suggest that this variant may disrupt the consensus splice site. In summary, the available evidence is currently insufficient to determine the role of this variant in disease. Therefore, it has been classified as a Variant of Uncertain Significance.

NM_080680.3(COL11A2):c.3042+11G>T

Gene: COL11A2 (collagen type XI alpha 2 chain; minus strand). Cytogenetic location: 6p21.32.
Variant type: single nucleotide variant.
Coding change: c.3042+11G>T on transcript NM_080680.3 (MANE Select); 11 bases into the intron after coding-DNA position 3042, G replaced by T.
Molecular consequence: intron variant.
Genome position (GRCh38, 1-based): chr6:33,172,039, C>A on the plus strand (G>T on the coding strand, the complement: COL11A2 is on the minus strand). VCF-style: chr6-33172039-C-A. GRCh37 (hg19) VCF-style: chr6-33139816-C-A.
Other names: c.2016+11G>T (NM_001424111.1, NM_001424110.1); c.2721+11G>T (NM_080679.3); c.2784+11G>T (NM_080681.3); c.2862+11G>T (NM_001424108.1); c.2196+11G>T (NM_001424109.1); c.996+11G>T (NM_001424112.1).
Identifiers: ClinVar variation 2704574 (VCV002704574.3), dbSNP rs2534859763, ClinGen allele CA2697553241.
Genomic context (GRCh38, chr6:33,172,039, plus strand): 5'-TGCCACTCCCACCCTTCCTCACCCACCCCTTTCCCGGGTCCTTCCTACCACTTCCGGAAC[C>A]CCAGACTCACTGCAGGGCCAGGGGGGCCAGACGGACCTTCATTCCCCTTCAAACCAGGTC-3'